The following is an entry in ClinVar:

NM_000489.6(ATRX):c.5368G>A (p.Ala1790Thr)

Gene: ATRX (ATRX chromatin remodeler; minus strand). Cytogenetic location: Xq21.1.
Variant type: single nucleotide variant.
Coding change: c.5368G>A on transcript NM_000489.6 (MANE Select); coding-DNA position 5368, G replaced by A.
Protein change: p.Ala1790Thr; replaces alanine 1790 with threonine.
Molecular consequence: missense variant.
Genome position (GRCh38, 1-based): chrX:77,618,886, C>T on the plus strand (G>A on the coding strand, the complement: ATRX is on the minus strand). VCF-style: chrX-77618886-C-T. GRCh37 (hg19) VCF-style: chrX-76874354-C-T.
Other names: c.5254G>A, p.Ala1752Thr (NM_138270.5); short protein forms A1752T, A1790T.
Identifiers: ClinVar variation 1718541 (VCV001718541.6), dbSNP rs2148259374, ClinGen allele CA413700783.

ClinVar aggregate classification (germline): Likely pathogenic (1 of 4 stars; one submission).

Conditions:
Alpha thalassemia-X-linked intellectual disability syndrome (ATRX). Also called: ALPHA-THALASSEMIA/MENTAL RETARDATION SYNDROME, X-LINKED; ATR, NONDELETION TYPE; X-linked alpha-thalassemia-mental retardation syndrome; ATR-X syndrome; Alpha thalassemia mental retardation syndrome, nondeletion type, X-linked; XLMR hypotonic face syndrome. Identifiers: Orphanet 847, MedGen C1845055, MONDO:0010519, OMIM 301040.

Submission:

Labcorp Genetics (formerly Invitae), Labcorp
Classification: Likely pathogenic for Alpha thalassemia-X-linked intellectual disability syndrome. Last evaluated: 2023-09-20. Review status: criteria provided, single submitter. Criteria: Invitae Variant Classification Sherloc (09022015). Collection method: clinical testing. Allele origin: germline.
Comment: This sequence change replaces alanine, which is neutral and non-polar, with threonine, which is neutral and polar, at codon 1790 of the ATRX protein (p.Ala1790Thr). This variant is not present in population databases (gnomAD no frequency). This missense change has been observed in individual(s) with ATRX-related conditions (Invitae). In at least one individual the variant was observed to be de novo. ClinVar contains an entry for this variant (Variation ID: 1718541). Advanced modeling of protein sequence and biophysical properties (such as structural, functional, and spatial information, amino acid conservation, physicochemical variation, residue mobility, and thermodynamic stability) performed at Invitae indicates that this missense variant is not expected to disrupt ATRX protein function. In summary, the currently available evidence indicates that the variant is pathogenic, but additional data are needed to prove that conclusively. Therefore, this variant has been classified as Likely Pathogenic.